The following is an entry in ClinVar:

NM_001304438.2(TMEM132E):c.1822G>A (p.Gly608Ser)

Gene: TMEM132E (transmembrane protein 132E; plus strand). Cytogenetic location: 17q12.
Variant type: single nucleotide variant.
Coding change: c.1822G>A on transcript NM_001304438.2 (MANE Select); coding-DNA position 1822, G replaced by A.
Protein change: p.Gly608Ser; replaces glycine 608 with serine.
Molecular consequence: missense variant.
Genome position (GRCh38, 1-based): chr17:34,634,932, G>A. VCF-style: chr17-34634932-G-A. GRCh37 (hg19) VCF-style: chr17-32961951-G-A.
Other names: p.Gly608Ser; short protein forms G608S.
Identifiers: ClinVar variation 3380479 (VCV003380479.1).

ClinVar aggregate classification (germline): Uncertain significance (1 of 4 stars; one submission).

gnomAD v4.1: 6 of 1,614,178 alleles (0.00037%); highest among the groups gnomAD compares: South Asian, 0.0022%; no homozygotes.

Submission:

Mayo Clinic Laboratories, Mayo Clinic
Classification: Uncertain significance. Last evaluated: 2023-05-09. Review status: criteria provided, single submitter. Criteria: ACMG Guidelines, 2015. Collection method: clinical testing. Allele origin: germline. Observed: 1 variant allele.
Comment: PM2_moderate